The following is an entry in ClinVar:

ClinVar aggregate classification (germline): Uncertain significance. Review status: criteria provided, multiple submitters, no conflicts (2 of 4 stars). 5 submissions from 5 submitters: Uncertain significance (5). Last evaluated 2025-02-02.

Conditions:
Hereditary cancer-predisposing syndrome. Also called: Hereditary Cancer Syndrome; Neoplastic Syndromes, Hereditary; Tumor predisposition; Hereditary neoplastic syndrome. Identifiers: Orphanet 140162, MedGen C0027672, MeSH D009386, MONDO:0015356.
Intellectual disability, autosomal dominant 16 (CSS4). Also called: COFFIN-SIRIS SYNDROME 4. Identifiers: Orphanet 1465, MedGen C3553249, MONDO:0013821, OMIM 614609.
Rhabdoid tumor predisposition syndrome 2 (RTPS2). Identifiers: Orphanet 231108, Orphanet 69077, MedGen C2750074, MONDO:0013224, OMIM 613325.

Allele frequency attached by ClinVar (database versions not stated): gnomAD exomes 0.00001.

Submissions (5):

Ambry Genetics
Classification: Uncertain significance for Hereditary cancer-predisposing syndrome. Last evaluated: 2025-02-02. Review status: criteria provided, single submitter. Criteria: Ambry Variant Classification Scheme 2023. Collection method: clinical testing. Allele origin: germline.
Comment: The p.R1623W variant (also known as c.4867C>T), located in coding exon 34 of the SMARCA4 gene, results from a C to T substitution at nucleotide position 4867. The arginine at codon 1623 is replaced by tryptophan, an amino acid with dissimilar properties. This amino acid position is well conserved in available vertebrate species. In addition, the in silico prediction for this alteration is inconclusive. Missense and in-frame variants in SMARCA4 are known to cause neurodevelopmental disorders; however, such associations with rhabdoid tumor predisposition syndrome including small cell carcinoma of the ovary-hypercalcemic type (SCCOHT) are exceedingly rare (Kosho T et al. Am J Med Genet C Semin Med Genet. 2014 Sep;166C(3):262-75; Jelinic P et al. Nat Genet. 2014 May;46(5):424-6). This variant has been detected in multiple individuals with no reported features of Coffin-Siris syndrome-associated disease (Ambry internal data). Based on the supporting evidence, the association of this alteration with rhabdoid tumor predisposition syndrome is unknown; however, the association of this alteration with Coffin-Siris syndrome is unlikely.

Labcorp Genetics (formerly Invitae), Labcorp
Classification: Uncertain significance for Rhabdoid tumor predisposition syndrome 2. Last evaluated: 2025-01-11. Review status: criteria provided, single submitter. Criteria: Invitae Variant Classification Sherloc (09022015). Collection method: clinical testing. Allele origin: germline.
Comment: This sequence change replaces arginine, which is basic and polar, with tryptophan, which is neutral and slightly polar, at codon 1623 of the SMARCA4 protein (p.Arg1623Trp). The frequency data for this variant in the population databases is considered unreliable, as metrics indicate poor data quality at this position in the gnomAD database. This missense change has been observed in individual(s) with pulmonary arterial hypertension (PMID: 30029678). ClinVar contains an entry for this variant (Variation ID: 480569). An algorithm developed to predict the effect of missense changes on protein structure and function (PolyPhen-2) suggests that this variant is likely to be disruptive. In summary, the available evidence is currently insufficient to determine the role of this variant in disease. Therefore, it has been classified as a Variant of Uncertain Significance.

Baylor Genetics
Classification: Uncertain significance for Rhabdoid tumor predisposition syndrome 2. Last evaluated: 2023-08-12. Review status: criteria provided, single submitter. Criteria: ACMG Guidelines, 2015. Collection method: clinical testing. Allele origin: unknown.

GeneDx
Classification: Uncertain significance. Last evaluated: 2022-06-30. Review status: criteria provided, single submitter. Criteria: GeneDx Variant Classification Process June 2021. Collection method: clinical testing. Allele origin: germline. Affected: yes.
Comment: In silico analysis supports that this missense variant has a deleterious effect on protein structure/function; Observed in a patient with a complex congenital heart defect in the published literature (Zhu et al., 2018); Also known as c.C4681T; p.R1561W; This variant is associated with the following publications: (PMID: 30029678)

Genome-Nilou Lab
Classification: Uncertain significance for Intellectual disability, autosomal dominant 16. Last evaluated: 2021-07-15. Review status: criteria provided, single submitter. Criteria: ACMG Guidelines, 2015. Collection method: clinical testing. Allele origin: germline. Affected: no.

Literature cited by the submitters: PubMed 30029678 (cited by Labcorp Genetics (formerly Invitae), Labcorp).

NM_003072.5(SMARCA4):c.4771C>T (p.Arg1591Trp)

Gene: SMARCA4 (SWI/SNF related BAF chromatin remodeling complex subunit ATPase 4; plus strand). Cytogenetic location: 19p13.2.
Variant type: single nucleotide variant.
Coding change: c.4771C>T on transcript NM_003072.5 (MANE Select); coding-DNA position 4771, C replaced by T.
Protein change: p.Arg1591Trp; replaces arginine 1591 with tryptophan.
Molecular consequence: missense variant. On other transcripts: non-coding transcript variant (1).
Genome position (GRCh38, 1-based): chr19:11,060,047, C>T. VCF-style: chr19-11060047-C-T. GRCh37 (hg19) VCF-style: chr19-11170723-C-T.
Other names: c.4771C>T, p.Arg1591Trp (NM_001128844.3); c.4681C>T, p.Arg1561Trp (NM_001128845.2); c.4678C>T, p.Arg1560Trp (NM_001128846.2); c.4672C>T, p.Arg1558Trp (NM_001128847.4, NM_001374457.1); c.4669C>T, p.Arg1557Trp (NM_001128848.2); c.4867C>T, p.Arg1623Trp (NM_001128849.3, NM_001387283.1); short protein forms R1623W, R1558W, R1557W, R1591W, R1560W, R1561W.
Identifiers: ClinVar variation 480569 (VCV000480569.21), dbSNP rs1303089960, ClinGen allele CA404080202.